The following is an entry in ClinVar:

ClinVar aggregate classification (germline): Benign/Likely benign. Review status: criteria provided, multiple submitters, no conflicts (2 of 4 stars). 4 submissions from 4 submitters: Benign (1); Likely benign (3). Last evaluated 2026-02-03.

Conditions:
Dilated cardiomyopathy 1G (CMD1G). Identifiers: Orphanet 154, MedGen C1858763, MONDO:0011400, OMIM 604145.
Autosomal recessive limb-girdle muscular dystrophy type 2J (LGMDR10). Also called: Limb-girdle muscular dystrophy, type 2J; MUSCULAR DYSTROPHY, LIMB-GIRDLE, AUTOSOMAL RECESSIVE 10. Identifiers: Orphanet 140922, MedGen C1837342, MONDO:0012127, OMIM 608807.
Tibial muscular dystrophy (TMD). Also called: Tibial muscular dystrophy, tardive; Udd Distal Myopathy – Tibial Muscular Dystrophy; UDD MYOPATHY. Identifiers: Orphanet 609, MedGen C1838244, MONDO:0010870, OMIM 600334.

Submissions (4):

Labcorp Genetics (formerly Invitae), Labcorp
Classification: Likely benign for Dilated cardiomyopathy 1G; Autosomal recessive limb-girdle muscular dystrophy type 2J. Last evaluated: 2026-02-03. Review status: criteria provided, single submitter. Criteria: Invitae Variant Classification Sherloc (09022015). Collection method: clinical testing. Allele origin: germline.

Blueprint Genetics
Classification: Likely benign. Last evaluated: 2024-11-23. Review status: criteria provided, single submitter. Criteria: ACMG Guidelines, 2015. Collection method: clinical testing. Allele origin: germline.

CeGaT Center for Human Genetics Tuebingen
Classification: Benign. Last evaluated: 2024-07-01. Review status: criteria provided, single submitter. Criteria: CeGaT Center For Human Genetics Tuebingen Variant Classification Criteria Version 2. Collection method: clinical testing. Allele origin: germline. Affected: yes. Observed: 10 variant alleles.
Comment: TTN: BS1, BS2

Centre for Mendelian Genomics, University Medical Centre Ljubljana
Classification: Likely benign for Tibial muscular dystrophy. Last evaluated: 2019-03-26. Review status: criteria provided, single submitter. Criteria: ACMG Guidelines, 2015. Collection method: clinical testing. Allele origin: unknown. Affected: yes.
Comment: This variant was classified as: Likely benign.

NM_001267550.2(TTN):c.30683-28_30683-16del

Gene: TTN (titin; minus strand). Cytogenetic location: 2q31.2.
Variant type: Deletion.
Coding change: c.30683-28_30683-16del on transcript NM_001267550.2 (MANE Select); 28 bases into the intron before coding-DNA position 30683 through 16 bases into the intron before coding-DNA position 30683, 13 bases deleted (CTTTTTTTTTCTT).
Molecular consequence: intron variant.
Genome position (GRCh38, 1-based): chr2:178,698,930-178,698,942, AAGAAAAAAAAAG deleted on the plus strand (CTTTTTTTTTCTT on the coding strand, the reverse complement: TTN is on the minus strand); deleting any 13 consecutive bases within chr2:178,698,930-178,698,944 gives the same sequence; the c. name uses the placement nearest the transcript's 3' end. VCF-style (leftmost placement, unchanged base first): chr2-178698929-AAAGAAAAAAAAAG-A. GRCh37 (hg19) VCF-style: chr2-179563656-AAAGAAAAAAAAAG-A.
Other names: c.30683-28_30683-16delCTTTTTTTTTCTT (NM_001267550.2); c.13282+39140_13282+39152del (NM_003319.4); c.13858+39140_13858+39152del (NM_133437.4); c.13657+39140_13657+39152del (NM_133432.3); c.26951-28_26951-16del (NM_133378.4); c.29732-28_29732-16del (NM_001256850.1).
Identifiers: ClinVar variation 931513 (VCV000931513.39), dbSNP rs764830728, ClinGen allele CA1999061.